The following is an entry in ClinVar:

NM_198252.3(GSN):c.743A>T (p.Lys248Met)

Gene: GSN (gelsolin; plus strand). Cytogenetic location: 9q33.2.
Variant type: single nucleotide variant.
Coding change: c.743A>T on transcript NM_198252.3 (MANE Select); coding-DNA position 743, A replaced by T.
Protein change: p.Lys248Met; replaces lysine 248 with methionine.
Molecular consequence: missense variant.
Genome position (GRCh38, 1-based): chr9:121,314,013, A>T. VCF-style: chr9-121314013-A-T. GRCh37 (hg19) VCF-style: chr9-124076291-A-T.
Other names: c.896A>T, p.Lys299Met (NM_000177.5); c.743A>T, p.Lys248Met (NM_001127662.2, NM_001127664.2, NM_001127665.2 and 10 more transcripts); c.851A>T, p.Lys284Met (NM_001127663.2); c.776A>T, p.Lys259Met (NM_001127666.2, NM_001127667.2, NM_001353063.2 and 13 more transcripts); c.794A>T, p.Lys265Met (NM_001258029.2); c.767A>T, p.Lys256Met (NM_001258030.2); c.815A>T, p.Lys272Met (NM_001353076.2); c.89A>T, p.Lys30Met (NM_001353078.2); short protein forms K256M, K265M, K272M, K299M, K30M, K259M, K284M, K248M.
Identifiers: ClinVar variation 1489938 (VCV001489938.6), dbSNP rs1368917811, ClinGen allele CA374742624.

ClinVar aggregate classification (germline): Uncertain significance (1 of 4 stars; one submission).

gnomAD v4.1: 3 of 1,613,460 alleles (0.00019%); highest among the groups gnomAD compares: Non-Finnish European, 0.000085%; no homozygotes.

Submission:

Labcorp Genetics (formerly Invitae), Labcorp
Classification: Uncertain significance. Last evaluated: 2022-03-13. Review status: criteria provided, single submitter. Criteria: Invitae Variant Classification Sherloc (09022015). Collection method: clinical testing. Allele origin: germline.
Comment: This variant is not present in population databases (gnomAD no frequency). This sequence change replaces lysine, which is basic and polar, with methionine, which is neutral and non-polar, at codon 299 of the GSN protein (p.Lys299Met). This variant has not been reported in the literature in individuals affected with GSN-related conditions. In summary, the available evidence is currently insufficient to determine the role of this variant in disease. Therefore, it has been classified as a Variant of Uncertain Significance. Algorithms developed to predict the effect of missense changes on protein structure and function are either unavailable or do not agree on the potential impact of this missense change (SIFT: "Deleterious"; PolyPhen-2: "Possibly Damaging"; Align-GVGD: "Class C0").